The following is an entry in ClinVar:

ClinVar aggregate classification (germline): Uncertain significance (0 of 4 stars; one submission).

Conditions:
KANK4-related disorder. Also called: KANK4-related condition.

gnomAD v4.1: 1 of 1,614,092 alleles (0.000062%); highest among the groups gnomAD compares: Non-Finnish European, 0.000085%; no homozygotes.

Submission:

PreventionGenetics, part of Exact Sciences
Classification: Uncertain significance for KANK4-related condition. Last evaluated: 2024-09-27. Review status: no assertion criteria provided. Collection method: clinical testing. Allele origin: germline.
Comment: The KANK4 c.506T>G variant is predicted to result in the amino acid substitution p.Leu169Arg. To our knowledge, this variant has not been reported in the literature. This variant is reported in 0.0018% of alleles in individuals of European (Non-Finnish) descent in gnomAD. At this time, the clinical significance of this variant is uncertain due to the absence of conclusive functional and genetic evidence.

NM_181712.5(KANK4):c.506T>G (p.Leu169Arg)

Gene: KANK4 (KN motif and ankyrin repeat domains 4; minus strand). Cytogenetic location: 1p31.3.
Variant type: single nucleotide variant.
Coding change: c.506T>G on transcript NM_181712.5 (MANE Select); coding-DNA position 506, T replaced by G.
Protein change: p.Leu169Arg; replaces leucine 169 with arginine.
Molecular consequence: missense variant. On other transcripts: intron variant (1).
Genome position (GRCh38, 1-based): chr1:62,274,598, A>C on the plus strand (T>G on the coding strand, the complement: KANK4 is on the minus strand). VCF-style: chr1-62274598-A-C. GRCh37 (hg19) VCF-style: chr1-62740270-A-C.
Other names: c.17-3009T>G (NM_001320269.2); short protein forms L169R.
Identifiers: ClinVar variation 3355129 (VCV003355129.1).
Genomic context (GRCh38, chr1:62,274,598, plus strand): 5'-GCAGGAGGGGCAGGGGGCCCCAGGCTCAGGCCTGGCTCCTCAGAAGCCCTGCTGTGCAGC[A>C]GCGTGGCAGGCATGCTGGATGCTCTCAAGAGCTGGGGCCGTCCACTCCCAAAAGTGAGCT-3'
Protein context (NP_859063.3, residues 159-179): LLRASSMPAT[Leu169Arg]LHSRASEEPG